The following is an entry in ClinVar:

NM_000127.3(EXT1):c.742_743del (p.Arg248fs)

Gene: EXT1 (exostosin glycosyltransferase 1; minus strand). Cytogenetic location: 8q24.11.
Variant type: Microsatellite.
Coding change: c.742_743del on transcript NM_000127.3 (MANE Select); coding-DNA positions 742 to 743, 2 bases deleted (AG; older notation c.742_743delAG).
Protein change: p.Arg248fs; shifts the reading frame from arginine 248.
Molecular consequence: frameshift variant.
Genome position (GRCh38, 1-based): chr8:118,110,304-118,110,305, CT deleted on the plus strand (AG on the coding strand, the reverse complement: EXT1 is on the minus strand); deleting any 2 consecutive bases within chr8:118,110,304-118,110,308 gives the same sequence; the c. name uses the placement nearest the transcript's 3' end. VCF-style (leftmost placement, unchanged base first): chr8-118110303-CCT-C. GRCh37 (hg19) VCF-style: chr8-119122542-CCT-C.
Other names: c.742_743del (NM_000127.2); c.739_740GA[1], p.Arg248Glyfs (NM_000127.2); short protein forms R248fs.
Identifiers: ClinVar variation 3340273 (VCV003340273.3).

ClinVar aggregate classification (germline): Pathogenic. Review status: criteria provided, multiple submitters, no conflicts (2 of 4 stars). 2 submissions from 2 submitters: Pathogenic (2). Last evaluated 2024-08-28.

Conditions:
Multiple congenital exostosis (EXT). Also called: MULTIPLE CARTILAGINOUS EXOSTOSES; Multiple osteochondromas; Hereditary multiple osteochondromas; Multiple exostoses; Hereditary multiple exostoses; Hereditary multiple exostosis. Identifiers: Orphanet 321, MedGen C0015306, MONDO:0005508, HP:0002762.

Submissions (2):

Labcorp Genetics (formerly Invitae), Labcorp
Classification: Pathogenic for Multiple congenital exostosis. Last evaluated: 2024-08-28. Review status: criteria provided, single submitter. Criteria: Invitae Variant Classification Sherloc (09022015). Collection method: clinical testing. Allele origin: germline.
Comment: This sequence change creates a premature translational stop signal (p.Arg248Glyfs*40) in the EXT1 gene. It is expected to result in an absent or disrupted protein product. Loss-of-function variants in EXT1 are known to be pathogenic (PMID: 10679937, 11391482, 19810120). This variant is not present in population databases (gnomAD no frequency). This premature translational stop signal has been observed in individual(s) with multiple osteochondromatosis (PMID: 18976157). This variant is also known as c.742_743delAG (p.R248fs). For these reasons, this variant has been classified as Pathogenic.

GeneDx
Classification: Pathogenic. Last evaluated: 2024-03-05. Review status: criteria provided, single submitter. Criteria: GeneDx Variant Classification Process June 2021. Collection method: clinical testing. Allele origin: germline. Affected: yes.
Comment: Frameshift variant predicted to result in protein truncation or nonsense mediated decay in a gene for which loss of function is a known mechanism of disease; Not observed at significant frequency in large population cohorts (gnomAD); This variant is associated with the following publications: (PMID: 18976157)

Literature cited by the submitters: PubMed 10679937 (cited by Labcorp Genetics (formerly Invitae), Labcorp); PubMed 11391482 (cited by Labcorp Genetics (formerly Invitae), Labcorp); PubMed 19810120 (cited by Labcorp Genetics (formerly Invitae), Labcorp); PubMed 18976157 (cited by Labcorp Genetics (formerly Invitae), Labcorp).